The following is an entry in ClinVar:

NM_002496.4(NDUFS8):c.551A>T (p.Asn184Ile)

Gene: NDUFS8 (NADH:ubiquinone oxidoreductase core subunit S8; plus strand). Cytogenetic location: 11q13.2.
Variant type: single nucleotide variant.
Coding change: c.551A>T on transcript NM_002496.4 (MANE Select); coding-DNA position 551, A replaced by T.
Protein change: p.Asn184Ile; replaces asparagine 184 with isoleucine.
Molecular consequence: missense variant.
Genome position (GRCh38, 1-based): chr11:68,036,511, A>T. VCF-style: chr11-68036511-A-T. GRCh37 (hg19) VCF-style: chr11-67803978-A-T.
Other names: c.551A>T (NM_002496.3); short protein forms N184I.
Identifiers: ClinVar variation 1946433 (VCV001946433.4), dbSNP rs1565147872, ClinGen allele CA381569840.

ClinVar aggregate classification (germline): Uncertain significance. Review status: criteria provided, multiple submitters, no conflicts (2 of 4 stars). 2 submissions from 2 submitters: Uncertain significance (2). Last evaluated 2025-08-21.

Conditions:
Inborn genetic diseases. Identifiers: MedGen C0950123, MeSH D030342.

Allele frequency attached by ClinVar (database versions not stated): gnomAD exomes below 0.00001.
gnomAD v4.1: 2 of 1,614,060 alleles (0.00012%); highest among the groups gnomAD compares: Non-Finnish European, 0.00017%; no homozygotes.

Submissions (2):

Ambry Genetics
Classification: Uncertain significance for Inborn genetic diseases. Last evaluated: 2025-08-21. Review status: criteria provided, single submitter. Criteria: Ambry Variant Classification Scheme 2023. Collection method: clinical testing. Allele origin: germline.

Labcorp Genetics (formerly Invitae), Labcorp
Classification: Uncertain significance. Last evaluated: 2024-01-22. Review status: criteria provided, single submitter. Criteria: Invitae Variant Classification Sherloc (09022015). Collection method: clinical testing. Allele origin: germline.
Comment: This sequence change replaces asparagine, which is neutral and polar, with isoleucine, which is neutral and non-polar, at codon 184 of the NDUFS8 protein (p.Asn184Ile). This variant is present in population databases (no rsID available, gnomAD 0.0009%). This variant has not been reported in the literature in individuals affected with NDUFS8-related conditions. ClinVar contains an entry for this variant (Variation ID: 1946433). An algorithm developed to predict the effect of missense changes on protein structure and function (PolyPhen-2) suggests that this variant is likely to be disruptive. In summary, the available evidence is currently insufficient to determine the role of this variant in disease. Therefore, it has been classified as a Variant of Uncertain Significance.